The following is an entry in ClinVar:

ClinVar aggregate classification (germline): Uncertain significance (1 of 4 stars; one submission).

Submission:

Labcorp Genetics (formerly Invitae), Labcorp
Classification: Uncertain significance. Last evaluated: 2022-10-09. Review status: criteria provided, single submitter. Criteria: Invitae Variant Classification Sherloc (09022015). Collection method: clinical testing. Allele origin: germline.
Comment: This sequence change replaces lysine, which is basic and polar, with glutamic acid, which is acidic and polar, at codon 327 of the KCNH1 protein (p.Lys327Glu). This variant is not present in population databases (gnomAD no frequency). This variant has not been reported in the literature in individuals affected with KCNH1-related conditions. Advanced modeling of protein sequence and biophysical properties (such as structural, functional, and spatial information, amino acid conservation, physicochemical variation, residue mobility, and thermodynamic stability) performed at Invitae indicates that this missense variant is expected to disrupt KCNH1 protein function. In summary, the available evidence is currently insufficient to determine the role of this variant in disease. Therefore, it has been classified as a Variant of Uncertain Significance.

NM_172362.3(KCNH1):c.979A>G (p.Lys327Glu)

Gene: KCNH1 (potassium voltage-gated channel subfamily H member 1; minus strand). Cytogenetic location: 1q32.2.
Variant type: single nucleotide variant.
Coding change: c.979A>G on transcript NM_172362.3 (MANE Select); coding-DNA position 979, A replaced by G.
Protein change: p.Lys327Glu; replaces lysine 327 with glutamic acid.
Molecular consequence: missense variant. On other transcripts: intron variant (1).
Genome position (GRCh38, 1-based): chr1:211,018,836, T>C on the plus strand (A>G on the coding strand, the complement: KCNH1 is on the minus strand). VCF-style: chr1-211018836-T-C. GRCh37 (hg19) VCF-style: chr1-211192178-T-C.
Other names: c.951+28A>G (NM_002238.4); short protein forms K327E.
Identifiers: ClinVar variation 2784590 (VCV002784590.3), dbSNP rs2526595792, ClinGen allele CA344875626.